The following is an entry in ClinVar:

NM_000059.4(BRCA2):c.5713C>T (p.His1905Tyr)

Gene: BRCA2 (BRCA2 DNA repair associated; plus strand). Cytogenetic location: 13q13.1.
Variant type: single nucleotide variant.
Coding change: c.5713C>T on transcript NM_000059.4 (MANE Select); coding-DNA position 5713, C replaced by T.
Protein change: p.His1905Tyr; replaces histidine 1905 with tyrosine.
Molecular consequence: missense variant.
Genome position (GRCh38, 1-based): chr13:32,340,068, C>T. VCF-style: chr13-32340068-C-T. GRCh37 (hg19) VCF-style: chr13-32914205-C-T.
Other names: c.5713C>T, p.His1905Tyr (NM_001406719.1, NM_001406720.1); short protein forms H1905Y.
Identifiers: ClinVar variation 1721997 (VCV001721997.9), dbSNP rs1593906278, ClinGen allele CA387786792.

ClinVar aggregate classification (germline): Conflicting classifications of pathogenicity. Review status: criteria provided, conflicting classifications (1 of 4 stars). 3 submissions from 3 submitters: Uncertain significance (2); Likely benign (1). Last evaluated 2023-03-23.

Conditions:
Hereditary cancer-predisposing syndrome. Also called: Neoplastic Syndromes, Hereditary; Tumor predisposition; Hereditary neoplastic syndrome; Hereditary Cancer Syndrome. Identifiers: Orphanet 140162, MedGen C0027672, MeSH D009386, MONDO:0015356.
Hereditary breast ovarian cancer syndrome. Also called: BRCA1- and BRCA2-Associated Hereditary Breast and Ovarian Cancer; Hereditary breast and ovarian cancer syndrome (HBOC); Hereditary breast and ovarian cancer syndrome; Hereditary breast and ovarian cancer; Hereditary breast and/or ovarian cancer syndrome; Breast and ovarian cancer. Identifiers: Orphanet 145, MedGen C0677776, MeSH D061325, MONDO:0003582. Disease mechanism: loss of function.

Submissions (3):

University of Washington Department of Laboratory Medicine, University of Washington
Classification: Likely benign for Hereditary cancer-predisposing syndrome. Last evaluated: 2023-03-23. Review status: criteria provided, single submitter. Criteria: Dines et al. (Genet Med. 2020). Collection method: curation. Allele origin: germline.
Comment: Missense variant in a coldspot region where missense variants are very unlikely to be pathogenic (PMID:31911673).

BRCA2 exon 11 coldspot. Reclassification based on statistical prior probability.

Ambry Genetics
Classification: Uncertain significance for Hereditary cancer-predisposing syndrome. Last evaluated: 2023-03-22. Review status: criteria provided, single submitter. Criteria: Ambry Variant Classification Scheme 2023. Collection method: clinical testing. Allele origin: germline.
Comment: The p.H1905Y variant (also known as c.5713C>T), located in coding exon 10 of the BRCA2 gene, results from a C to T substitution at nucleotide position 5713. The histidine at codon 1905 is replaced by tyrosine, an amino acid with similar properties. This amino acid position is poorly conserved in available vertebrate species. In addition, this alteration is predicted to be tolerated by in silico analysis. Since supporting evidence is limited at this time, the clinical significance of this alteration remains unclear.

Labcorp Genetics (formerly Invitae), Labcorp
Classification: Uncertain significance for Hereditary breast ovarian cancer syndrome. Last evaluated: 2022-10-21. Review status: criteria provided, single submitter. Criteria: Invitae Variant Classification Sherloc (09022015). Collection method: clinical testing. Allele origin: germline.
Comment: This variant is not present in population databases (gnomAD no frequency). This variant has not been reported in the literature in individuals affected with BRCA2-related conditions. Advanced modeling of protein sequence and biophysical properties (such as structural, functional, and spatial information, amino acid conservation, physicochemical variation, residue mobility, and thermodynamic stability) performed at Invitae indicates that this missense variant is not expected to disrupt BRCA2 protein function. In summary, the available evidence is currently insufficient to determine the role of this variant in disease. Therefore, it has been classified as a Variant of Uncertain Significance. This sequence change replaces histidine, which is basic and polar, with tyrosine, which is neutral and polar, at codon 1905 of the BRCA2 protein (p.His1905Tyr).